The following is an entry in ClinVar:

NM_001282933.2(ZNF341):c.741G>A (p.Glu247=)

Gene: ZNF341 (zinc finger protein 341; plus strand). Cytogenetic location: 20q11.22.
Variant type: single nucleotide variant.
Coding change: c.741G>A on transcript NM_001282933.2 (MANE Select); coding-DNA position 741, G replaced by A.
Protein change: p.Glu247=; no amino-acid change (glutamic acid 247 retained).
Molecular consequence: synonymous variant. On other transcripts: non-coding transcript variant (1).
Genome position (GRCh38, 1-based): chr20:33,753,423, G>A. VCF-style: chr20-33753423-G-A. GRCh37 (hg19) VCF-style: chr20-32341229-G-A.
Other names: c.471G>A, p.Glu157= (NM_001282935.2); c.741G>A, p.Glu247= (NM_032819.5).
Identifiers: ClinVar variation 1427963 (VCV001427963.6), dbSNP rs1277964476, ClinGen allele CA510472120.

ClinVar aggregate classification (germline): Uncertain significance (1 of 4 stars; one submission).

Submission:

Labcorp Genetics (formerly Invitae), Labcorp
Classification: Uncertain significance. Last evaluated: 2025-05-05. Review status: criteria provided, single submitter. Criteria: Invitae Variant Classification Sherloc (09022015). Collection method: clinical testing. Allele origin: germline.
Comment: This sequence change affects codon 247 of the ZNF341 mRNA. It is a 'silent' change, meaning that it does not change the encoded amino acid sequence of the ZNF341 protein. This variant also falls at the last nucleotide of exon 5, which is part of the consensus splice site for this exon. This variant is not present in population databases (gnomAD no frequency). This variant has not been reported in the literature in individuals affected with ZNF341-related conditions. ClinVar contains an entry for this variant (Variation ID: 1427963). Variants that disrupt the consensus splice site are a relatively common cause of aberrant splicing (PMID: 17576681, 9536098). Algorithms developed to predict the effect of sequence changes on RNA splicing suggest that this variant may disrupt the consensus splice site. In summary, the available evidence is currently insufficient to determine the role of this variant in disease. Therefore, it has been classified as a Variant of Uncertain Significance.

Literature cited by the submitters: PubMed 17576681; PubMed 9536098.